The following is an entry in ClinVar:

NM_001365276.2(TNXB):c.11731G>A (p.Ala3911Thr)

Genes: TNXB (tenascin XB; minus strand), LOC106780803 (tenascin XB recombination region; plus strand). Cytogenetic location: 6p21.33.
Variant type: single nucleotide variant.
Coding change: c.11731G>A on transcript NM_001365276.2 (MANE Select); coding-DNA position 11731, G replaced by A.
Protein change: p.Ala3911Thr; replaces alanine 3911 with threonine.
Molecular consequence: missense variant.
Genome position (GRCh38, 1-based): chr6:32,043,238, C>T on the plus strand (G>A on the coding strand, the complement: TNXB is on the minus strand). VCF-style: chr6-32043238-C-T. GRCh37 (hg19) VCF-style: chr6-32011015-C-T.
Other names: p.Ala3909Thr; c.12472G>A, p.Ala4158Thr (NM_001428335.1); c.11725G>A, p.Ala3909Thr (NM_019105.8); c.1018G>A, p.Ala340Thr (NM_032470.4); short protein forms A4158T, A3909T, A340T, A3911T.
Identifiers: ClinVar variation 4541117 (VCV004541117.1).

ClinVar aggregate classification (germline): Uncertain significance (1 of 4 stars; one submission).

gnomAD v4.1: 6 of 264,140 alleles (0.0023%); highest among the groups gnomAD compares: Admixed American, 0.0078%; no homozygotes.

Submission:

Mayo Clinic Laboratories, Mayo Clinic
Classification: Uncertain significance. Last evaluated: 2025-06-11. Review status: criteria provided, single submitter. Criteria: ACMG Guidelines, 2015. Collection method: clinical testing. Allele origin: germline. Observed: 1 variant allele.
Comment: BP4